The following is an entry in ClinVar:

ClinVar aggregate classification (germline): Likely benign. Review status: criteria provided, multiple submitters, no conflicts (2 of 4 stars). 3 submissions from 3 submitters: Likely benign (2). 1 of the submissions does not count toward it. Last evaluated 2025-03-06.

Conditions:
Nephronophthisis. Also called: Juvenile Nephronophthisis. Identifiers: Orphanet 655, MedGen C0687120, MONDO:0019005, HP:0000090.
INVS-related disorder. Also called: INVS-related condition.

Allele frequency attached by ClinVar (database versions not stated): TOPMed 0.00002; gnomAD 0.00003.
gnomAD v4.1: 6 of 1,614,026 alleles (0.00037%); highest among the groups gnomAD compares: African/African-American, 0.0067%; no homozygotes.

Submissions (3):

Labcorp Genetics (formerly Invitae), Labcorp
Classification: Likely benign for Nephronophthisis. Last evaluated: 2025-03-06. Review status: criteria provided, single submitter. Criteria: Invitae Variant Classification Sherloc (09022015). Collection method: clinical testing. Allele origin: germline.

Blueprint Genetics
Classification: Likely benign. Last evaluated: 2023-11-28. Review status: criteria provided, single submitter. Criteria: ACMG Guidelines, 2015. Collection method: clinical testing. Allele origin: germline.

PreventionGenetics, part of Exact Sciences
Classification: Likely benign for INVS-related condition. Last evaluated: 2021-05-11. Review status: no assertion criteria provided. Collection method: clinical testing. Allele origin: germline. Not counted in ClinVar's aggregate classification.
Comment: This variant is classified as likely benign based on ACMG/AMP sequence variant interpretation guidelines (Richards et al. 2015 PMID: 25741868, with internal and published modifications).

NM_014425.5(INVS):c.2367C>A (p.Ala789=)

Gene: INVS (inversin; plus strand). Cytogenetic location: 9q31.1.
Variant type: single nucleotide variant.
Coding change: c.2367C>A on transcript NM_014425.5 (MANE Select); coding-DNA position 2367, C replaced by A.
Protein change: p.Ala789=; no amino-acid change (alanine 789 retained).
Molecular consequence: synonymous variant. On other transcripts: non-coding transcript variant (1).
Genome position (GRCh38, 1-based): chr9:100,292,624, C>A. VCF-style: chr9-100292624-C-A. GRCh37 (hg19) VCF-style: chr9-103054906-C-A.
Other names: c.2367C>A (NM_014425.4); c.2079C>A, p.Ala693= (NM_001318381.2); c.1389C>A, p.Ala463= (NM_001318382.2).
Identifiers: ClinVar variation 2958943 (VCV002958943.6), dbSNP rs761619797, ClinGen allele CA196895665.